The following is an entry in ClinVar:

ClinVar aggregate classification (germline): Uncertain significance. Review status: criteria provided, multiple submitters, no conflicts (2 of 4 stars). 3 submissions from 3 submitters: Uncertain significance (2). 1 of the submissions does not count toward it. Last evaluated 2018-11-19.

Conditions:
Medium-chain acyl-coenzyme A dehydrogenase deficiency (ACADMD). Also called: Medium chain acyl-CoA dehydrogenase deficiency; MCAD Deficiency; MCADH DEFICIENCY; MCADD; ACADM DEFICIENCY; CARNITINE DEFICIENCY SECONDARY TO MEDIUM-CHAIN ACYL-CoA DEHYDROGENASE DEFICIENCY. Identifiers: Orphanet 42, MedGen C0220710, MONDO:0008721, OMIM 201450.

Submissions (3):

Labcorp Genetics (formerly Invitae), Labcorp
Classification: Uncertain significance for Medium-chain acyl-coenzyme A dehydrogenase deficiency. Last evaluated: 2018-11-19. Review status: criteria provided, single submitter. Criteria: Invitae Variant Classification Sherloc (09022015). Collection method: clinical testing. Allele origin: germline.
Comment: This variant, c.238_240delAGA, results in the deletion of 1 amino acid(s) of the ACADM protein (p.Arg80del), but otherwise preserves the integrity of the reading frame. This variant is not present in population databases (ExAC no frequency). This variant has not been reported in the literature in individuals with ACADM-related disease. ClinVar contains an entry for this variant (Variation ID: 438862). Experimental studies and prediction algorithms are not available for this variant, and the functional significance of the affected amino acid(s) is currently unknown. In summary, the available evidence is currently insufficient to determine the role of this variant in disease. Therefore, it has been classified as a Variant of Uncertain Significance.

Quest Diagnostics Nichols Institute San Juan Capistrano
Classification: Uncertain significance. Last evaluated: 2017-07-24. Review status: criteria provided, single submitter. Criteria: Quest Diagnostics criteria. Collection method: clinical testing. Allele origin: germline.

Natera, Inc.
Classification: Uncertain significance for Medium Chain Acyl-CoA Dehydrogenase Deficiency. Last evaluated: 2020-08-05. Review status: no assertion criteria provided. Collection method: clinical testing. Allele origin: germline. Not counted in ClinVar's aggregate classification.

NM_000016.6(ACADM):c.235AGA[1] (p.Arg80del)

Gene: ACADM (acyl-CoA dehydrogenase medium chain; plus strand). Cytogenetic location: 1p31.1.
Variant type: Microsatellite.
Coding change: c.235AGA[1] on transcript NM_000016.6 (MANE Select); one copy of the 3-base unit AGA starting at c.235; the reference has two copies in a row; one copy, 3 bases deleted; also written c.238_240del.
Protein change: p.Arg80del; deletes arginine 80.
Molecular consequence: inframe deletion. On other transcripts: 5 prime UTR variant (1).
Genome position (GRCh38, 1-based): chr1:75,732,874-75,732,876, AGA deleted; deleting any 3 consecutive bases within chr1:75,732,871-75,732,876 gives the same sequence; the position shown is the placement nearest the transcript's 3' end. VCF-style (leftmost placement, unchanged base first): chr1-75732870-TAGA-T. GRCh37 (hg19) VCF-style: chr1-76198555-TAGA-T.
Other names: c.238_240delAGA (NM_000016.5); c.247AGA[1], p.Arg84del (NM_001127328.3); c.127AGA[1], p.Arg44del (NM_001286042.2); c.235AGA[1], p.Arg80del (NM_001286043.2); c.-151AGA[1] (NM_001286044.2); c.238_240del (NM_000016.6); short protein forms R80del, R44del, R84del.
Identifiers: ClinVar variation 438862 (VCV000438862.6), dbSNP rs1553122972, ClinGen allele CA645509081.